The following is an entry in ClinVar:

ClinVar aggregate classification (germline): Pathogenic (1 of 4 stars; one submission).

Conditions:
Hereditary nonpolyposis colorectal neoplasms. Identifiers: MedGen C0009405, MeSH D003123.

Submission:

Labcorp Genetics (formerly Invitae), Labcorp
Classification: Pathogenic for Hereditary nonpolyposis colorectal neoplasms. Last evaluated: 2021-07-04. Review status: criteria provided, single submitter. Criteria: Invitae Variant Classification Sherloc (09022015). Collection method: clinical testing. Allele origin: germline.
Comment: This variant has not been reported in the literature in individuals affected with MSH6-related conditions. For these reasons, this variant has been classified as Pathogenic. This variant is not present in population databases (ExAC no frequency). This sequence change creates a premature translational stop signal (p.Thr1247Leufs*6) in the MSH6 gene. It is expected to result in an absent or disrupted protein product. Loss-of-function variants in MSH6 are known to be pathogenic (PMID: 18269114, 24362816).

Literature cited by the submitters: PubMed 18269114; PubMed 24362816.

NM_000179.3(MSH6):c.3739del (p.Thr1247fs)

Gene: MSH6 (mutS homolog 6; plus strand). Cytogenetic location: 2p16.3.
Variant type: Deletion.
Coding change: c.3739del on transcript NM_000179.3 (MANE Select); coding-DNA position 3739, one base deleted (A; older notation c.3739delA).
Protein change: p.Thr1247fs; shifts the reading frame from threonine 1247.
Molecular consequence: frameshift variant.
Genome position (GRCh38, 1-based): chr2:47,806,296, A deleted; the last of 2 consecutive A bases (chr2:47,806,295-47,806,296); deleting either gives the same sequence. VCF-style (leftmost placement, unchanged base first): chr2-47806294-CA-C. GRCh37 (hg19) VCF-style: chr2-48033433-CA-C.
Other names: c.3349del, p.Thr1117fs (NM_001281492.2); c.2833del, p.Thr945fs (NM_001281493.2, NM_001281494.2); short protein forms T1247fs, T945fs, T1117fs.
Identifiers: ClinVar variation 1453623 (VCV001453623.6), dbSNP rs2104542920, ClinGen allele CA2573134763.